The following is an entry in ClinVar:

NM_017755.6(NSUN2):c.1917A>G (p.Arg639=)

Gene: NSUN2 (NOP2/Sun RNA methyltransferase 2; minus strand). Cytogenetic location: 5p15.31.
Variant type: single nucleotide variant.
Coding change: c.1917A>G on transcript NM_017755.6 (MANE Select); coding-DNA position 1917, A replaced by G.
Protein change: p.Arg639=; no amino-acid change (arginine 639 retained).
Molecular consequence: synonymous variant. On other transcripts: non-coding transcript variant (1).
Genome position (GRCh38, 1-based): chr5:6,604,178, T>C on the plus strand (A>G on the coding strand, the complement: NSUN2 is on the minus strand). VCF-style: chr5-6604178-T-C. GRCh37 (hg19) VCF-style: chr5-6604291-T-C.
Other names: c.1812A>G, p.Arg604= (NM_001193455.2).
Identifiers: ClinVar variation 2127665 (VCV002127665.1), dbSNP rs1202044717, ClinGen allele CA443089257.

ClinVar aggregate classification (germline): Uncertain significance (1 of 4 stars; one submission).

Allele frequency attached by ClinVar (database versions not stated): gnomAD exomes below 0.00001; gnomAD 0.00001.
gnomAD v4.1: 2 of 1,613,950 alleles (0.00012%); highest among the groups gnomAD compares: Admixed American, 0.0017%; no homozygotes.

Submission:

Labcorp Genetics (formerly Invitae), Labcorp
Classification: Uncertain significance. Last evaluated: 2022-04-18. Review status: criteria provided, single submitter. Criteria: Invitae Variant Classification Sherloc (09022015). Collection method: clinical testing. Allele origin: germline.
Comment: This sequence change affects codon 639 of the NSUN2 mRNA. It is a 'silent' change, meaning that it does not change the encoded amino acid sequence of the NSUN2 protein. This variant is present in population databases (no rsID available, gnomAD 0.01%). This variant has not been reported in the literature in individuals affected with NSUN2-related conditions. Algorithms developed to predict the effect of sequence changes on RNA splicing suggest that this variant may create or strengthen a splice site. In summary, the available evidence is currently insufficient to determine the role of this variant in disease. Therefore, it has been classified as a Variant of Uncertain Significance.